The following is an entry in ClinVar:

ClinVar aggregate classification (germline): Likely benign (1 of 4 stars; one submission).

Submission:

CeGaT Center for Human Genetics Tuebingen
Classification: Likely benign. Last evaluated: 2025-09-01. Review status: criteria provided, single submitter. Criteria: CeGaT Center For Human Genetics Tuebingen Variant Classification Criteria Version 2. Collection method: clinical testing. Allele origin: germline. Affected: yes. Observed: 3 variant alleles.
Comment: MAST4: PM2:Supporting, BP4, BP7

NM_001164664.2(MAST4):c.222C>G (p.Gly74=)

Genes: MAST4 (microtubule associated serine/threonine kinase family member 4; plus strand), LOC129993989 (ATAC-STARR-seq lymphoblastoid silent region 16065; plus strand). Cytogenetic location: 5q12.3.
Variant type: single nucleotide variant.
Coding change: c.222C>G on transcript NM_001164664.2 (MANE Select); coding-DNA position 222, C replaced by G.
Protein change: p.Gly74=; no amino-acid change (glycine 74 retained).
Molecular consequence: synonymous variant.
Genome position (GRCh38, 1-based): chr5:66,596,877, C>G. VCF-style: chr5-66596877-C-G. GRCh37 (hg19) VCF-style: chr5-65892705-C-G.
Other names: c.222C>G, p.Gly74= (NM_001290228.2, NM_001393524.1, NM_001393525.1 and 1 more transcripts).
Identifiers: ClinVar variation 3898463 (VCV003898463.7).
Genomic context (GRCh38, chr5:66,596,877, plus strand): 5'-CGGCGGCTTCTCCAGAGAGCATCAGCCGCCGCCGCCGCCGCCGTTGGGAGGCACCCTGGG[C>G]GCCCGGGCGCCCGCCGCGTGGGCTCCGGCAAGCGTGCTGCTGGAGCGCGGAGTCCTTGCG-3'
Protein context (NP_001158136.1, residues 64-84): PPPPPLGGTL[Gly74=]ARAPAAWAPA